The following is an entry in ClinVar:

NM_025219.3(DNAJC5):c.321+73G>A

Gene: DNAJC5 (DnaJ heat shock protein family (Hsp40) member C5; plus strand). Cytogenetic location: 20q13.33.
Variant type: single nucleotide variant.
Coding change: c.321+73G>A on transcript NM_025219.3 (MANE Select); 73 bases into the intron after coding-DNA position 321, G replaced by A.
Molecular consequence: intron variant.
Genome position (GRCh38, 1-based): chr20:63,929,598, G>A. VCF-style: chr20-63929598-G-A. GRCh37 (hg19) VCF-style: chr20-62560951-G-A.
Identifiers: ClinVar variation 670729 (VCV000670729.2), dbSNP rs113080441, ClinGen allele CA317520318.

ClinVar aggregate classification (germline): Benign. Review status: criteria provided, multiple submitters, no conflicts (2 of 4 stars). 2 submissions from 2 submitters: Benign (2). Last evaluated 2018-06-14.

Allele frequency attached by ClinVar (database versions not stated): 1000 Genomes Project 0.03854; gnomAD 0.04890 and 0.05037.
gnomAD v4.1: 23,751 of 1,342,600 alleles (1.8%); highest among the groups gnomAD compares: African/African-American, 2.1%; 610 homozygotes.

Submissions (2):

GeneDx
Classification: Benign. Last evaluated: 2018-06-14. Review status: criteria provided, single submitter. Criteria: GeneDx Variant Classification (06012015). Collection method: clinical testing. Allele origin: germline. Affected: yes.
Comment: This variant is considered likely benign or benign based on one or more of the following criteria: it is a conservative change, it occurs at a poorly conserved position in the protein, it is predicted to be benign by multiple in silico algorithms, and/or has population frequency not consistent with disease.

Breakthrough Genomics
Classification: Benign. Review status: criteria provided, single submitter. Criteria: ACMG Guidelines, 2015. Collection method: not provided. Allele origin: germline. Inheritance: Autosomal dominant inheritance. Affected: yes.